The following is an entry in ClinVar:

NM_001165963.4(SCN1A):c.3139G>T (p.Glu1047Ter)

Genes: SCN1A (sodium voltage-gated channel alpha subunit 1; minus strand), LOC102724058 (uncharacterized LOC102724058; plus strand). Cytogenetic location: 2q24.3.
Variant type: single nucleotide variant.
Coding change: c.3139G>T on transcript NM_001165963.4 (MANE Select); coding-DNA position 3139, G replaced by T.
Protein change: p.Glu1047Ter; replaces glutamic acid 1047 with a stop codon.
Molecular consequence: nonsense. On other transcripts: non-coding transcript variant (2).
Genome position (GRCh38, 1-based): chr2:166,036,338, C>A on the plus strand (G>T on the coding strand, the complement: SCN1A is on the minus strand). VCF-style: chr2-166036338-C-A. GRCh37 (hg19) VCF-style: chr2-166892848-C-A.
Other names: c.3055G>T, p.Glu1019Ter (NM_001165964.3, NM_001353957.2, NM_001353958.2); c.3139G>T, p.Glu1047Ter (NM_001202435.3, NM_001353948.2); c.3106G>T, p.Glu1036Ter (NM_001353949.2, NM_001353950.2, NM_001353951.2 and 2 more transcripts); c.3103G>T, p.Glu1035Ter (NM_001353954.2, NM_001353955.2); c.3052G>T, p.Glu1018Ter (NM_001353960.2); c.697G>T, p.Glu233Ter (NM_001353961.2); short protein forms E1019*, E1035*, E1018*, E1036*, E1047*, E233*.
Identifiers: ClinVar variation 1445942 (VCV001445942.7), dbSNP rs776984527, ClinGen allele CA349059831.

ClinVar aggregate classification (germline): Pathogenic (1 of 4 stars; one submission).

Conditions:
Early-infantile DEE. Also called: Early infantile epileptic encephalopathy; Ohtahara syndrome; Early infantile epileptic encephalopathy with suppression bursts. Identifiers: Orphanet 1934, MedGen C0393706, MONDO:0800491.

Submission:

Labcorp Genetics (formerly Invitae), Labcorp
Classification: Pathogenic for Early-infantile DEE. Last evaluated: 2024-03-27. Review status: criteria provided, single submitter. Criteria: Invitae Variant Classification Sherloc (09022015). Collection method: clinical testing. Allele origin: germline.
Comment: This sequence change creates a premature translational stop signal (p.Glu1047*) in the SCN1A gene. It is expected to result in an absent or disrupted protein product. Loss-of-function variants in SCN1A are known to be pathogenic (PMID: 17347258, 18930999). This variant is not present in population databases (gnomAD no frequency). This premature translational stop signal has been observed in individual(s) with SCN1A-related conditions (PMID: 21248271). In at least one individual the variant was observed to be de novo. ClinVar contains an entry for this variant (Variation ID: 1445942). For these reasons, this variant has been classified as Pathogenic.

Literature cited by the submitters: PubMed 17347258; PubMed 18930999; PubMed 21248271.